The following is an entry in ClinVar:

ClinVar aggregate classification (germline): Benign. Review status: criteria provided, multiple submitters, no conflicts (2 of 4 stars). 2 submissions from 2 submitters: Benign (2). Last evaluated 2018-06-15.

Allele frequency attached by ClinVar (database versions not stated): ESP Exome Variant Server 0.00115; gnomAD exomes 0.00429 and 0.01786; gnomAD 0.00728 and 0.00737; 1000 Genomes Project 0.00779; 1000 Genomes Project 30x 0.00890; TOPMed 0.01286; ExAC 0.01369.
gnomAD v4.1: 6,453 of 1,416,320 alleles (0.46%); highest among the groups gnomAD compares: Admixed American, 9.9%; 415 homozygotes.

Submissions (2):

GeneDx
Classification: Benign. Last evaluated: 2018-06-15. Review status: criteria provided, single submitter. Criteria: GeneDx Variant Classification (06012015). Collection method: clinical testing. Allele origin: germline. Affected: yes.
Comment: This variant is considered likely benign or benign based on one or more of the following criteria: it is a conservative change, it occurs at a poorly conserved position in the protein, it is predicted to be benign by multiple in silico algorithms, and/or has population frequency not consistent with disease.

Breakthrough Genomics
Classification: Benign. Review status: criteria provided, single submitter. Criteria: ACMG Guidelines, 2015. Collection method: not provided. Allele origin: germline. Inheritance: Autosomal recessive inheritance. Affected: yes.

NM_015340.4(LARS2):c.1622+43G>A

Genes: LARS2 (leucyl-tRNA synthetase 2, mitochondrial; plus strand), LARS2-AS1 (LARS2 antisense RNA 1; minus strand). Cytogenetic location: 3p21.31.
Variant type: single nucleotide variant.
Coding change: c.1622+43G>A on transcript NM_015340.4 (MANE Select); 43 bases into the intron after coding-DNA position 1622, G replaced by A.
Molecular consequence: intron variant.
Genome position (GRCh38, 1-based): chr3:45,496,416, G>A. VCF-style: chr3-45496416-G-A. GRCh37 (hg19) VCF-style: chr3-45537908-G-A.
Other names: c.1622+43G>A (NM_001368263.1).
Identifiers: ClinVar variation 676444 (VCV000676444.2), dbSNP rs181665720, ClinGen allele CA2349651.